The following is an entry in ClinVar:

ClinVar aggregate classification (germline): Pathogenic (1 of 4 stars; one submission).

Submission:

Labcorp Genetics (formerly Invitae), Labcorp
Classification: Pathogenic. Last evaluated: 2025-09-13. Review status: criteria provided, single submitter. Criteria: Invitae Variant Classification Sherloc (09022015). Collection method: clinical testing. Allele origin: germline.
Comment: This sequence change creates a premature translational stop signal (p.Tyr224Metfs*43) in the TUBGCP6 gene. It is expected to result in an absent or disrupted protein product. Loss-of-function variants in TUBGCP6 are known to be pathogenic (PMID: 25344692). This variant is not present in population databases (gnomAD no frequency). This variant has not been reported in the literature in individuals affected with TUBGCP6-related conditions. For these reasons, this variant has been classified as Pathogenic.

Literature cited by the submitters: PubMed 25344692.

NM_020461.4(TUBGCP6):c.670del (p.Tyr224fs)

Gene: TUBGCP6 (tubulin gamma complex component 6; minus strand). Cytogenetic location: 22q13.33.
Variant type: Deletion.
Coding change: c.670del on transcript NM_020461.4 (MANE Select); coding-DNA position 670, one base deleted (T; older notation c.670delT).
Protein change: p.Tyr224fs; shifts the reading frame from tyrosine 224.
Molecular consequence: frameshift variant.
Genome position (GRCh38, 1-based): chr22:50,243,790, A deleted on the plus strand (T on the coding strand, the reverse complement: TUBGCP6 is on the minus strand); the first of 2 consecutive A bases (chr22:50,243,790-50,243,791); deleting either gives the same sequence. VCF-style (leftmost placement, unchanged base first): chr22-50243789-TA-T. GRCh37 (hg19) VCF-style: chr22-50682218-TA-T.
Other names: short protein forms Y224fs.
Identifiers: ClinVar variation 4727069 (VCV004727069.1).
Genomic context (GRCh38, chr22:50,243,789, plus strand): 5'-AGCCCAGAGAGGTCCGCATTGTCTGGCACGGGGGGCAGGCCCAGTCGGACGTCCATGTCA[TA>T]AGTGCGGCTGTGCACAAGGGCCCCGAAGAGCGAGACCCGGGTGTCTCTCTCGAACCTGTC-3'